The following is an entry in ClinVar:

ClinVar aggregate classification (germline): Conflicting classifications of pathogenicity. Review status: criteria provided, conflicting classifications (1 of 4 stars). 3 submissions from 3 submitters: Uncertain significance (1); Likely benign (1). 1 of the submissions does not count toward it. Last evaluated 2025-10-09.

Conditions:
Hypogonadotropic hypogonadism 7 with or without anosmia (HH7). Also called: GNRHR-Related GnRH Deficiency; HYPOGONADOTROPIC HYPOGONADISM 7 WITHOUT ANOSMIA. Identifiers: Orphanet 432, MedGen C0342384, MONDO:0007794, OMIM 146110.
CHARGE syndrome (CHARGE). Also called: Coloboma, heart anomaly, choanal atresia, retardation, genital and ear anomalies; CHARGE association; Hall-Hittner syndrome; Hittner Hirsch Kreh syndrome; CHARGE ASSOCIATION--COLOBOMA, HEART ANOMALY, CHOANAL ATRESIA, RETARDATION, GENITAL AND EAR ANOMALIES. Identifiers: Orphanet 138, MedGen C0265354, MONDO:0008965.
SEMA3E-related disorder. Also called: SEMA3E-related condition.

Allele frequency attached by ClinVar (database versions not stated): ExAC 0.00001; gnomAD 0.00001; gnomAD exomes 0.00002 and 0.00004; TOPMed 0.00004; ESP Exome Variant Server 0.00008.
gnomAD v4.1: 62 of 1,610,098 alleles (0.0039%); highest among the groups gnomAD compares: Non-Finnish European, 0.0052%; no homozygotes.

Submissions (3):

Labcorp Genetics (formerly Invitae), Labcorp
Classification: Likely benign for CHARGE syndrome. Last evaluated: 2025-10-09. Review status: criteria provided, single submitter. Criteria: Invitae Variant Classification Sherloc (09022015). Collection method: clinical testing. Allele origin: germline.

Fulgent Genetics
Classification: Uncertain significance for Hypogonadotropic hypogonadism 7 with or without anosmia; CHD7-related CHARGE syndrome. Last evaluated: 2022-04-08. Review status: criteria provided, single submitter. Criteria: ACMG Guidelines, 2015. Collection method: clinical testing. Allele origin: unknown.

PreventionGenetics, part of Exact Sciences
Classification: Likely benign for SEMA3E-related condition. Last evaluated: 2021-08-10. Review status: no assertion criteria provided. Collection method: clinical testing. Allele origin: germline. Not counted in ClinVar's aggregate classification.
Comment: This variant is classified as likely benign based on ACMG/AMP sequence variant interpretation guidelines (Richards et al. 2015 PMID: 25741868, with internal and published modifications).

NM_012431.3(SEMA3E):c.999-10T>C

Gene: SEMA3E (semaphorin 3E; minus strand). Cytogenetic location: 7q21.11.
Variant type: single nucleotide variant.
Coding change: c.999-10T>C on transcript NM_012431.3 (MANE Select); 10 bases into the intron before coding-DNA position 999, T replaced by C.
Molecular consequence: intron variant.
Genome position (GRCh38, 1-based): chr7:83,402,786, A>G on the plus strand (T>C on the coding strand, the complement: SEMA3E is on the minus strand). VCF-style: chr7-83402786-A-G. GRCh37 (hg19) VCF-style: chr7-83032102-A-G.
Other names: c.999-10T>C (NM_012431.2); c.819-10T>C (NM_001178129.2).
Identifiers: ClinVar variation 1417891 (VCV001417891.11), dbSNP rs371994521, ClinGen allele CA4322128.